The following is an entry in ClinVar:

NM_002900.3(RBP3):c.*219C>T

Gene: RBP3 (retinol binding protein 3; plus strand). Cytogenetic location: 10q11.22.
Variant type: single nucleotide variant.
Coding change: c.*219C>T on transcript NM_002900.3 (MANE Select); 219 bases downstream of the stop codon, C replaced by T.
Molecular consequence: 3 prime UTR variant.
Genome position (GRCh38, 1-based): chr10:47,357,676, C>T. VCF-style: chr10-47357676-C-T. GRCh37 (hg19) VCF-style: chr10-48381686-G-A.
Identifiers: ClinVar variation 880451 (VCV000880451.5), dbSNP rs3494, ClinGen allele CA469783054.

ClinVar aggregate classification (germline): Likely benign. Review status: criteria provided, multiple submitters, no conflicts (2 of 4 stars). 2 submissions from 2 submitters: Likely benign (2). Last evaluated 2018-01-12.

Conditions:
Retinitis pigmentosa (RP). Identifiers: Orphanet 791, MedGen C0035334, MeSH D012174, MONDO:0019200, OMIM 268000. Inheritance: Autosomal dominant, autosomal recessive and X linked inheritance.

Allele frequency attached by ClinVar (database versions not stated): 1000 Genomes Project 30x 0.01156; 1000 Genomes Project 0.01198; TOPMed 0.02288; gnomAD 0.02310 and 0.02330; gnomAD exomes 0.02839.

Submissions (2):

Illumina Laboratory Services, Illumina
Classification: Likely benign for Retinitis pigmentosa. Last evaluated: 2018-01-12. Review status: criteria provided, single submitter. Criteria: ICSL Variant Classification Criteria 13 December 2019. Collection method: clinical testing. Allele origin: germline.
Comment: This variant was observed in the ICSL laboratory as part of a predisposition screen in an ostensibly healthy population. It had not been previously curated by ICSL or reported in the Human Gene Mutation Database (HGMD: prior to June 1st, 2018), and was therefore a candidate for classification through an automated scoring system. Utilizing variant allele frequency, disease prevalence and penetrance estimates, and inheritance mode, an automated score was calculated to assess if this variant is too frequent to cause the disease. Based on the score and internal cut-off values, a variant classified as likely benign is not then subjected to further curation. The score for this variant resulted in a classification of likely benign for this disease.

Breakthrough Genomics
Classification: Likely benign. Review status: criteria provided, single submitter. Criteria: ACMG Guidelines, 2015. Collection method: not provided. Allele origin: germline. Inheritance: Autosomal recessive inheritance. Affected: yes.